The following is an entry in ClinVar:

NM_000138.5(FBN1):c.7276_7278del (p.His2426del)

Gene: FBN1 (fibrillin 1; minus strand). Cytogenetic location: 15q21.1.
Variant type: Deletion.
Coding change: c.7276_7278del on transcript NM_000138.5 (MANE Select); coding-DNA positions 7276 to 7278, 3 bases deleted (CAT; older notation c.7276_7278delCAT).
Protein change: p.His2426del; deletes histidine 2426.
Molecular consequence: inframe deletion.
Genome position (GRCh38, 1-based): chr15:48,425,791-48,425,793, ATG deleted on the plus strand (CAT on the coding strand, the reverse complement: FBN1 is on the minus strand); deleting any 3 consecutive bases within chr15:48,425,791-48,425,795 gives the same sequence; the c. name uses the placement nearest the transcript's 3' end. VCF-style (leftmost placement, unchanged base first): chr15-48425790-AATG-A. GRCh37 (hg19) VCF-style: chr15-48717987-AATG-A.
Other names: p.His2426del; c.7276_7278del (NM_000138.4); short protein forms H2426del.
Identifiers: ClinVar variation 1432065 (VCV001432065.9), dbSNP rs2141226930, ClinGen allele CA2573150940.

ClinVar aggregate classification (germline): Conflicting classifications of pathogenicity. Review status: criteria provided, conflicting classifications (1 of 4 stars). 2 submissions from 2 submitters: Likely pathogenic (1); Uncertain significance (1). Last evaluated 2025-01-23.

Conditions:
Marfan syndrome (MFS). Also called: MARFAN SYNDROME, TYPE I; Marfan syndrome type 1; Marfan's syndrome; Marfan syndrome, classic; FBN1-Related Marfan Syndrome. Identifiers: Orphanet 284963, Orphanet 558, MedGen C0024796, MONDO:0007947, OMIM 154700.
Familial thoracic aortic aneurysm and aortic dissection (TAAD). Also called: Thoracic aortic aneurysms and dissections. Identifiers: Orphanet 91387, MedGen C4707243, MONDO:0019625.

Submissions (2):

Mayo Clinic Laboratories, Mayo Clinic
Classification: Likely pathogenic. Last evaluated: 2025-01-23. Review status: criteria provided, single submitter. Criteria: ACMG Guidelines, 2015. Collection method: clinical testing. Allele origin: germline. Observed: 1 variant allele.
Comment: PP1, PP4, PM2_supporting, PM4, PS4_supporting

Labcorp Genetics (formerly Invitae), Labcorp
Classification: Uncertain significance for Marfan syndrome; Familial thoracic aortic aneurysm and aortic dissection. Last evaluated: 2022-08-10. Review status: criteria provided, single submitter. Criteria: Invitae Variant Classification Sherloc (09022015). Collection method: clinical testing. Allele origin: germline.
Comment: In summary, the available evidence is currently insufficient to determine the role of this variant in disease. Therefore, it has been classified as a Variant of Uncertain Significance. Experimental studies and prediction algorithms are not available or were not evaluated, and the functional significance of this variant is currently unknown. ClinVar contains an entry for this variant (Variation ID: 1432065). This variant has been observed in individual(s) with clinical features of Marfan syndrome (PMID: 29357934, 30534251; Invitae). It has also been observed to segregate with disease in related individuals. This variant is not present in population databases (gnomAD no frequency). This variant, c.7276_7278del, results in the deletion of 1 amino acid(s) of the FBN1 protein (p.His2426del), but otherwise preserves the integrity of the reading frame.

Literature cited by the submitters: PubMed 29357934 (cited by Mayo Clinic Laboratories, Mayo Clinic and Labcorp Genetics (formerly Invitae), Labcorp); PubMed 30534251 (cited by Mayo Clinic Laboratories, Mayo Clinic and Labcorp Genetics (formerly Invitae), Labcorp).